The following is an entry in ClinVar:

NM_015443.4(KANSL1):c.926A>G (p.Gln309Arg)

Gene: KANSL1 (KAT8 regulatory NSL complex subunit 1). Cytogenetic location: 17q21.31.
Variant type: single nucleotide variant.
Coding change: c.926A>G on transcript NM_015443.4 (MANE Select); coding-DNA position 926, A replaced by G.
Protein change: p.Gln309Arg; replaces glutamine 309 with arginine.
Molecular consequence: missense variant.
Genome position (GRCh38, 1-based): chr17:46,171,218, T>C on the plus strand (A>G on the coding strand, the complement: KANSL1 is on the minus strand). VCF-style: chr17-46171218-T-C. GRCh37 (hg19) VCF-style: chr17-44248584-T-C.
Other names: c.926A>G, p.Gln309Arg (NM_001193465.2, NM_001193466.2, NM_001379198.1); short protein forms Q309R.
Identifiers: ClinVar variation 1402189 (VCV001402189.5), dbSNP rs2147737029, ClinGen allele CA399980143.
Genomic context (GRCh38, chr17:46,171,218, plus strand): 5'-AAAGTCTTCTCCAAAAATCCACCCAGCTGATGTTGTATATGCCTCTCAACCTGCTTGGCT[T>C]GCACAACCTGTAAGCGCTTTTGTAATCTGCGGGCACGGCTCTCAATGTCAGCCTGTCGCC-3'
Protein context (NP_056258.1, residues 299-319): RRLQKRLQVV[Gln309Arg]AKQVERHIQH

ClinVar aggregate classification (germline): Uncertain significance (1 of 4 stars; one submission).

Conditions:
Koolen-de Vries syndrome (KDVS). Identifiers: Orphanet 96169, MedGen C1864871, MONDO:0012496, OMIM 610443.

gnomAD v4.1: 2 of 1,614,140 alleles (0.00012%); highest among the groups gnomAD compares: Non-Finnish European, 0.00017%; no homozygotes.

Submission:

Labcorp Genetics (formerly Invitae), Labcorp
Classification: Uncertain significance for Koolen-de Vries syndrome. Last evaluated: 2021-09-17. Review status: criteria provided, single submitter. Criteria: Invitae Variant Classification Sherloc (09022015). Collection method: clinical testing. Allele origin: germline.
Comment: Due to the possible presence of a polymorphic segmental duplication, the location of the variant could not be unambiguously resolved. Variants with ambiguous mapping are still reported relative to the KANSL1 transcript. This sequence change replaces glutamine with arginine at codon 309 of the KANSL1 protein (p.Gln309Arg). The glutamine residue is highly conserved and there is a small physicochemical difference between glutamine and arginine. The frequency data for this variant in the population databases (ExAC) is considered unreliable due to the presence of homologous sequence, such as pseudogenes or paralogs, in the genome. This variant has not been reported in the literature in individuals with KANSL1-related conditions. Algorithms developed to predict the effect of missense changes on protein structure and function (SIFT, PolyPhen-2, Align-GVGD) all suggest that this variant is likely to be disruptive. Until the location of this sequence change can be resolved, the clinical significance of this variant remains uncertain. It has been classified as a Variant of Uncertain Significance.